The following is an entry in ClinVar:

NM_002907.4(RECQL):c.395G>T (p.Gly132Val)

Gene: RECQL (RecQ like helicase; minus strand). Cytogenetic location: 12p12.1.
Variant type: single nucleotide variant.
Coding change: c.395G>T on transcript NM_002907.4 (MANE Select); coding-DNA position 395, G replaced by T.
Protein change: p.Gly132Val; replaces glycine 132 with valine.
Molecular consequence: missense variant.
Genome position (GRCh38, 1-based): chr12:21,486,585, C>A on the plus strand (G>T on the coding strand, the complement: RECQL is on the minus strand). VCF-style: chr12-21486585-C-A. GRCh37 (hg19) VCF-style: chr12-21639519-C-A.
Other names: c.395G>T, p.Gly132Val (NM_032941.3); short protein forms G132V.
Identifiers: ClinVar variation 1736512 (VCV001736512.3), dbSNP rs1389801258, ClinGen allele CA384130457.

ClinVar aggregate classification (germline): Uncertain significance (1 of 4 stars; one submission).

Submission:

Ambry Genetics
Classification: Uncertain significance. Last evaluated: 2024-05-08. Review status: criteria provided, single submitter. Criteria: Ambry Variant Classification Scheme 2023. Collection method: clinical testing. Allele origin: germline.
Comment: The p.G132V variant (also known as c.395G>T) is located in coding exon 4 of the RECQL gene. The glycine at codon 132 is replaced by valine, an amino acid with dissimilar properties. This change occurs in the first base pair of coding exon 4. This amino acid position is highly conserved in available vertebrate species. In addition, this alteration is predicted to be deleterious by in silico analysis. Since supporting evidence is limited at this time, the clinical significance of this alteration remains unclear.